The following is an entry in ClinVar:

NM_001376.5(DYNC1H1):c.4976C>T (p.Ala1659Val)

Gene: DYNC1H1 (dynein cytoplasmic 1 heavy chain 1; plus strand). Cytogenetic location: 14q32.31.
Variant type: single nucleotide variant.
Coding change: c.4976C>T on transcript NM_001376.5 (MANE Select); coding-DNA position 4976, C replaced by T.
Protein change: p.Ala1659Val; replaces alanine 1659 with valine.
Molecular consequence: missense variant.
Genome position (GRCh38, 1-based): chr14:102,004,610, C>T. VCF-style: chr14-102004610-C-T. GRCh37 (hg19) VCF-style: chr14-102470947-C-T.
Other names: short protein forms A1659V.
Identifiers: ClinVar variation 1412397 (VCV001412397.8), dbSNP rs1452214964, ClinGen allele CA391045094.

ClinVar aggregate classification (germline): Uncertain significance (1 of 4 stars; one submission).

Conditions:
Charcot-Marie-Tooth disease axonal type 2O. Also called: CHARCOT-MARIE-TOOTH NEUROPATHY, AXONAL, TYPE 2O; CHARCOT-MARIE-TOOTH DISEASE, AXONAL, AUTOSOMAL DOMINANT, TYPE 2O; Charcot-Marie-Tooth Neuropathy Type 2O; Charcot-Marie-Tooth disease, axonal, type 20. Identifiers: Orphanet 284232, MedGen C3280220, MONDO:0013644, OMIM 614228.

Allele frequency attached by ClinVar (database versions not stated): gnomAD exomes below 0.00001; gnomAD 0.00001; TOPMed 0.00001.
gnomAD v4.1: 7 of 1,614,094 alleles (0.00043%); highest among the groups gnomAD compares: Non-Finnish European, 0.00059%; no homozygotes.

Submission:

Labcorp Genetics (formerly Invitae), Labcorp
Classification: Uncertain significance for Charcot-Marie-Tooth disease axonal type 2O. Last evaluated: 2025-08-06. Review status: criteria provided, single submitter. Criteria: Invitae Variant Classification Sherloc (09022015). Collection method: clinical testing. Allele origin: germline.
Comment: This sequence change replaces alanine, which is neutral and non-polar, with valine, which is neutral and non-polar, at codon 1659 of the DYNC1H1 protein (p.Ala1659Val). This variant is present in population databases (no rsID available, gnomAD 0.0009%). This variant has not been reported in the literature in individuals affected with DYNC1H1-related conditions. ClinVar contains an entry for this variant (Variation ID: 1412397). Invitae Evidence Modeling of protein sequence and biophysical properties (such as structural, functional, and spatial information, amino acid conservation, physicochemical variation, residue mobility, and thermodynamic stability) indicates that this missense variant is expected to disrupt DYNC1H1 protein function with a positive predictive value of 95%. In summary, the available evidence is currently insufficient to determine the role of this variant in disease. Therefore, it has been classified as a Variant of Uncertain Significance.